The following is an entry in ClinVar:

ClinVar aggregate classification (germline): Benign/Likely benign. Review status: criteria provided, multiple submitters, no conflicts (2 of 4 stars). 3 submissions from 3 submitters: Benign (1); Likely benign (1). 1 of the submissions does not count toward it. Last evaluated 2025-06-19.

Conditions:
CSF2RB-related disorder. Also called: CSF2RB-related condition.

Allele frequency attached by ClinVar (database versions not stated): gnomAD 0.00005 and 0.00008; gnomAD exomes 0.00008 and 0.00034; TOPMed 0.00010; ExAC 0.00033; 1000 Genomes Project 30x 0.00078; 1000 Genomes Project 0.00080.
gnomAD v4.1: 130 of 1,610,774 alleles (0.0081%); highest among the groups gnomAD compares: East Asian, 0.23%; no homozygotes.

Submissions (3):

Labcorp Genetics (formerly Invitae), Labcorp
Classification: Benign. Last evaluated: 2025-06-19. Review status: criteria provided, single submitter. Criteria: Invitae Variant Classification Sherloc (09022015). Collection method: clinical testing. Allele origin: germline.

Blueprint Genetics
Classification: Likely benign. Last evaluated: 2024-11-21. Review status: criteria provided, single submitter. Criteria: ACMG Guidelines, 2015. Collection method: clinical testing. Allele origin: germline.

PreventionGenetics, part of Exact Sciences
Classification: Likely benign for CSF2RB-related condition. Last evaluated: 2019-03-22. Review status: no assertion criteria provided. Collection method: clinical testing. Allele origin: germline. Not counted in ClinVar's aggregate classification.
Comment: This variant is classified as likely benign based on ACMG/AMP sequence variant interpretation guidelines (Richards et al. 2015 PMID: 25741868, with internal and published modifications).

NM_000395.3(CSF2RB):c.1194C>T (p.Ala398=)

Gene: CSF2RB (colony stimulating factor 2 receptor subunit beta; plus strand). Cytogenetic location: 22q12.3.
Variant type: single nucleotide variant.
Coding change: c.1194C>T on transcript NM_000395.3 (MANE Select); coding-DNA position 1194, C replaced by T.
Protein change: p.Ala398=; no amino-acid change (alanine 398 retained).
Molecular consequence: synonymous variant.
Genome position (GRCh38, 1-based): chr22:36,933,873, C>T. VCF-style: chr22-36933873-C-T. GRCh37 (hg19) VCF-style: chr22-37329915-C-T.
Identifiers: ClinVar variation 794150 (VCV000794150.14), dbSNP rs199780194, ClinGen allele CA10213747.